The following is an entry in ClinVar:

ClinVar aggregate classification (germline): Pathogenic. Review status: criteria provided, multiple submitters, no conflicts (2 of 4 stars). 5 submissions from 5 submitters: Pathogenic (4). 1 of the submissions does not count toward it. Last evaluated 2024-05-14.

Conditions:
Retinitis pigmentosa (RP). Identifiers: Orphanet 791, MedGen C0035334, MeSH D012174, MONDO:0019200, OMIM 268000. Inheritance: Autosomal dominant, autosomal recessive and X linked inheritance.
Retinitis pigmentosa 25 (RP25). Identifiers: Orphanet 791, MedGen C1864446, MONDO:0011272, OMIM 602772.
EYS-related disorder. Also called: EYS-related condition.

Allele frequency attached by ClinVar (database versions not stated): TOPMed 0.00001; gnomAD exomes 0.00001 and below 0.00001; gnomAD 0.00001.
gnomAD v4.1: 2 of 1,546,574 alleles (0.00013%); highest among the groups gnomAD compares: Non-Finnish European, 0.00017%; no homozygotes.

Submissions (5):

Myriad Genetics, Inc.
Classification: Pathogenic for Retinitis pigmentosa 25. Last evaluated: 2024-05-14. Review status: criteria provided, single submitter. Criteria: Myriad Autosomal Dominant, Autosomal Recessive and X-Linked Classification Criteria (2023). Collection method: clinical testing. Allele origin: unknown.
Comment: NM_001142800.1(EYS):c.2889T>A(C963*) is expected to be pathogenic in the context of retinitis pigmentosa, EYS-related. This variant is predicted to lead to an abnormal or absent protein product due to the creation of a premature termination codon in EYS, a gene where loss-of-function variants are known to be pathogenic. Please note: this variant was assessed in the context of healthy population screening.

Labcorp Genetics (formerly Invitae), Labcorp
Classification: Pathogenic. Last evaluated: 2023-09-27. Review status: criteria provided, single submitter. Criteria: Invitae Variant Classification Sherloc (09022015). Collection method: clinical testing. Allele origin: germline.
Comment: For these reasons, this variant has been classified as Pathogenic. ClinVar contains an entry for this variant (Variation ID: 842696). This premature translational stop signal has been observed in individual(s) with retinal degeneration (PMID: 28704921). This variant is present in population databases (no rsID available, gnomAD 0.002%). This sequence change creates a premature translational stop signal (p.Cys963*) in the EYS gene. It is expected to result in an absent or disrupted protein product. Loss-of-function variants in EYS are known to be pathogenic (PMID: 18836446, 20333770).

Baylor Genetics
Classification: Pathogenic for Retinitis pigmentosa 25. Last evaluated: 2023-08-17. Review status: criteria provided, single submitter. Criteria: ACMG Guidelines, 2015. Collection method: clinical testing. Allele origin: unknown.

Blueprint Genetics
Classification: Pathogenic for EYS-related disorders. Last evaluated: 2022-11-15. Review status: criteria provided, single submitter. Criteria: ACMG Guidelines, 2015. Collection method: clinical testing. Allele origin: germline. Affected: yes. Observed: 1 variant allele.

Natera, Inc.
Classification: Pathogenic for Retinitis pigmentosa. Last evaluated: 2020-09-16. Review status: no assertion criteria provided. Collection method: clinical testing. Allele origin: germline. Not counted in ClinVar's aggregate classification.

Literature cited by the submitters: PubMed 28704921 (cited by Labcorp Genetics (formerly Invitae), Labcorp); PubMed 18836446 (cited by Labcorp Genetics (formerly Invitae), Labcorp); PubMed 20333770 (cited by Labcorp Genetics (formerly Invitae), Labcorp).

NM_001142800.2(EYS):c.2889T>A (p.Cys963Ter)

Gene: EYS (EGF-like photoreceptor maintenance factor; minus strand). Cytogenetic location: 6q12.
Variant type: single nucleotide variant.
Coding change: c.2889T>A on transcript NM_001142800.2 (MANE Select); coding-DNA position 2889, T replaced by A.
Protein change: p.Cys963Ter; replaces cysteine 963 with a stop codon.
Molecular consequence: nonsense.
Genome position (GRCh38, 1-based): chr6:64,886,800, A>T on the plus strand (T>A on the coding strand, the complement: EYS is on the minus strand). VCF-style: chr6-64886800-A-T. GRCh37 (hg19) VCF-style: chr6-65596693-A-T.
Other names: c.2889T>A, p.Cys963Ter (NM_001292009.2); short protein forms C963*.
Identifiers: ClinVar variation 842696 (VCV000842696.13), dbSNP rs989589885, ClinGen allele CA140377021.
Genomic context (GRCh38, chr6:64,886,800, plus strand): 5'-GTAGACACAATTTTCTTCATCTAGACAAGGTGAGATTTTACATTTATTTACATCAAGTTC[A>T]CAGAAGGGCCCATGGTACTCAGGTTCACAATTACAAAAAAATCTGGAGAAAAGTGGAGAA-3'